The following is an entry in ClinVar:

ClinVar aggregate classification (germline): Likely benign. Review status: criteria provided, single submitter (1 of 4 stars). 2 submissions from 2 submitters: Likely benign (1). 1 of the submissions does not count toward it. Last evaluated 2024-01-21.

Conditions:
SLC12A3-related disorder. Also called: SLC12A3-related condition.

gnomAD v4.1: 1 of 152,214 alleles (0.00066%); highest among the groups gnomAD compares: Admixed American, 0.0065%; no homozygotes.

Submissions (2):

Labcorp Genetics (formerly Invitae), Labcorp
Classification: Likely benign. Last evaluated: 2024-01-21. Review status: criteria provided, single submitter. Criteria: Invitae Variant Classification Sherloc (09022015). Collection method: clinical testing. Allele origin: germline.

PreventionGenetics, part of Exact Sciences
Classification: Likely benign for SLC12A3-related condition. Last evaluated: 2019-12-03. Review status: no assertion criteria provided. Collection method: clinical testing. Allele origin: germline. Not counted in ClinVar's aggregate classification.
Comment: This variant is classified as likely benign based on ACMG/AMP sequence variant interpretation guidelines (Richards et al. 2015 PMID: 25741868, with internal and published modifications).

NM_001126108.2(SLC12A3):c.1670-191C>G

Gene: SLC12A3 (solute carrier family 12 member 3; plus strand). Cytogenetic location: 16q13.
Variant type: single nucleotide variant.
Coding change: c.1670-191C>G on transcript NM_001126108.2 (MANE Select); 191 bases into the intron before coding-DNA position 1670, C replaced by G.
Molecular consequence: intron variant.
Genome position (GRCh38, 1-based): chr16:56,883,858, C>G. VCF-style: chr16-56883858-C-G. GRCh37 (hg19) VCF-style: chr16-56917770-C-G.
Other names: c.1670-191C>G (NM_000339.2, NM_000339.3); c.1667-191C>G (NM_001126107.2).
Identifiers: ClinVar variation 2158226 (VCV002158226.6), dbSNP rs374182921, ClinGen allele CA281504274.